The following is an entry in ClinVar:

ClinVar aggregate classification (germline): Uncertain significance. Review status: criteria provided, multiple submitters, no conflicts (2 of 4 stars). 2 submissions from 2 submitters: Uncertain significance (2). Last evaluated 2024-12-12.

Conditions:
Combined oxidative phosphorylation defect type 17. Also called: Combined oxidative phosphorylation deficiency 17. Identifiers: Orphanet 369913, MedGen C3809526, MONDO:0014190, OMIM 615440.

Allele frequency attached by ClinVar (database versions not stated): gnomAD 0.00010 and 0.00009; gnomAD exomes 0.00018; TOPMed 0.00007; ExAC 0.00024.
gnomAD v4.1: 99 of 1,613,894 alleles (0.0061%); highest among the groups gnomAD compares: South Asian, 0.0077%; no homozygotes.

Submissions (2):

GeneDx
Classification: Uncertain significance. Last evaluated: 2024-12-12. Review status: criteria provided, single submitter. Criteria: GeneDx Variant Classification Process June 2021. Collection method: clinical testing. Allele origin: germline. Affected: yes.
Comment: In silico analysis supports that this missense variant has a deleterious effect on protein structure/function; Has not been previously published as pathogenic or benign to our knowledge

Labcorp Genetics (formerly Invitae), Labcorp
Classification: Uncertain significance for Combined oxidative phosphorylation defect type 17. Last evaluated: 2021-12-23. Review status: criteria provided, single submitter. Criteria: Invitae Variant Classification Sherloc (09022015). Collection method: clinical testing. Allele origin: germline.
Comment: This sequence change replaces alanine, which is neutral and non-polar, with valine, which is neutral and non-polar, at codon 652 of the ELAC2 protein (p.Ala652Val). This variant is present in population databases (rs761881914, gnomAD 0.07%). This variant has not been reported in the literature in individuals affected with ELAC2-related conditions. Algorithms developed to predict the effect of missense changes on protein structure and function (SIFT, PolyPhen-2, Align-GVGD) all suggest that this variant is likely to be tolerated. In summary, the available evidence is currently insufficient to determine the role of this variant in disease. Therefore, it has been classified as a Variant of Uncertain Significance.

NM_018127.7(ELAC2):c.1955C>T (p.Ala652Val)

Gene: ELAC2 (elaC ribonuclease Z 2; minus strand). Cytogenetic location: 17p12.
Variant type: single nucleotide variant.
Coding change: c.1955C>T on transcript NM_018127.7 (MANE Select); coding-DNA position 1955, C replaced by T.
Protein change: p.Ala652Val; replaces alanine 652 with valine.
Molecular consequence: missense variant.
Genome position (GRCh38, 1-based): chr17:12,994,838, G>A on the plus strand (C>T on the coding strand, the complement: ELAC2 is on the minus strand). VCF-style: chr17-12994838-G-A. GRCh37 (hg19) VCF-style: chr17-12898155-G-A.
Other names: c.1835C>T, p.Ala612Val (NM_001165962.2); c.1952C>T, p.Ala651Val (NM_173717.2); c.1955C>T (NM_018127.6); short protein forms A612V, A651V, A652V.
Identifiers: ClinVar variation 1432888 (VCV001432888.4), dbSNP rs761881914, ClinGen allele CA8400992.